The following is an entry in ClinVar:

ClinVar aggregate classification (germline): Pathogenic/Likely pathogenic. Review status: criteria provided, multiple submitters, no conflicts (2 of 4 stars). 2 submissions from 2 submitters: Pathogenic (1); Likely pathogenic (1). Last evaluated 2022-12-02.

Conditions:
Polycystic kidney disease, adult type (PKD1). Also called: Polycystic Kidney Disease 1, Autosomal Dominant; Polycystic kidney disease 1; Polycystic kidney disease 1, severe; Polycystic Kidney, Autosomal Dominant; POLYCYSTIC KIDNEY DISEASE 1 WITH OR WITHOUT POLYCYSTIC LIVER DISEASE; POLYCYSTIC KIDNEY DISEASE, ADULT, TYPE I. Identifiers: MedGen C3149841, MONDO:0008263, OMIM 173900.

Submissions (2):

Eurofins-Biomnis
Classification: Likely pathogenic for Polycystic kidney disease, adult type. Last evaluated: 2022-12-02. Review status: criteria provided, single submitter. Criteria: Accession Criteria ClinVar Biomnis. Collection method: clinical testing. Allele origin: germline. Affected: yes. Observed: 1 heterozygote.

Victorian Clinical Genetics Services, Murdoch Childrens Research Institute
Classification: Pathogenic for Polycystic kidney disease, adult type. Last evaluated: 2022-02-02. Review status: criteria provided, single submitter. Criteria: ACMG Guidelines, 2015. Collection method: clinical testing. Allele origin: germline. Inheritance: Autosomal dominant inheritance.
Comment: Based on the classification scheme VCGS_Germline_v1.3.4, this variant is classified as 5-Pathogenic. Following criteria are met: 0102 - Loss of function is a known mechanism of disease in this gene and is associated with polycystic kidney disease 1 (MIM#173900). (I) 0107 - This gene is associated with autosomal dominant disease. Polycystic kidney disease 1 (MIM#173900) is predominantly caused by monoallelic variants, with rare reports of biallelic variants causing disease (OMIM). (I) 0201 - Variant is predicted to cause nonsense-mediated decay (NMD) and loss of protein (premature termination codon is located at least 54 nucleotides upstream of the final exon-exon junction). (SP) 0251 - This variant is heterozygous. (I) 0301 - Variant is absent from gnomAD (both v2 and v3). (SP) 0701 - Other NMD-predicted variants comparable to the one identified in this case have very strong previous evidence for pathogenicity. There are multiple likely pathogenic and pathogenic NMD-predicted variants that have been reported (Decipher, ClinVar). (SP) 0807 - This variant has no previous evidence of pathogenicity. (I) 0905 - No published segregation evidence has been identified for this variant. (I) 1007 - No published functional evidence has been identified for this variant. (I) 1208 - Inheritance information for this variant is not currently available in this individual. (I) Legend: (SP) - Supporting pathogenic, (I) - Information, (SB) - Supporting benign

Literature cited by the submitters: PubMed 22508176 (cited by Victorian Clinical Genetics Services, Murdoch Childrens Research Institute).

NM_001009944.3(PKD1):c.3381_3387dup (p.Ala1130fs)

Gene: PKD1 (polycystin 1, transient receptor potential channel interacting; minus strand). Cytogenetic location: 16p13.3.
Variant type: Duplication.
Coding change: c.3381_3387dup on transcript NM_001009944.3 (MANE Select); coding-DNA positions 3381 to 3387, 7 bases duplicated (CTCCGTG; older notation c.3381_3387dupCTCCGTG).
Protein change: p.Ala1130fs; shifts the reading frame from alanine 1130.
Molecular consequence: frameshift variant.
Genome position (GRCh38, 1-based): chr16:2,111,780-2,111,786, CACGGAG duplicated on the plus strand (CTCCGTG on the coding strand, the reverse complement: PKD1 is on the minus strand). VCF-style (leftmost placement, unchanged base first): chr16-2111779-C-CCACGGAG. GRCh37 (hg19) VCF-style: chr16-2161780-C-CCACGGAG.
Other names: c.3381_3387dupCTCCGTG (NM_001009944.2); c.3381_3387dup, p.Ala1130fs (NM_000296.4); short protein forms A1130fs.
Identifiers: ClinVar variation 1805361 (VCV001805361.2), dbSNP rs2544831329, ClinGen allele CA923726209.